The following is an entry in ClinVar:

ClinVar aggregate classification (germline): Uncertain significance (1 of 4 stars; one submission).

gnomAD v4.1: 94 of 1,613,918 alleles (0.0058%); highest among the groups gnomAD compares: Middle Eastern, 0.033%; no homozygotes.

Submission:

Labcorp Genetics (formerly Invitae), Labcorp
Classification: Uncertain significance. Last evaluated: 2025-12-18. Review status: criteria provided, single submitter. Criteria: Invitae Variant Classification Sherloc (09022015). Collection method: clinical testing. Allele origin: germline.
Comment: This sequence change replaces arginine, which is basic and polar, with cysteine, which is neutral and slightly polar, at codon 813 of the MYO5A protein (p.Arg813Cys). This variant is present in population databases (rs769710517, gnomAD 0.03%). This variant has not been reported in the literature in individuals affected with MYO5A-related conditions. Invitae Evidence Modeling of protein sequence and biophysical properties (such as structural, functional, and spatial information, amino acid conservation, physicochemical variation, residue mobility, and thermodynamic stability) has been performed for this missense variant. However, the output from this modeling did not meet the statistical confidence thresholds required to predict the impact of this variant on MYO5A protein function. In summary, the available evidence is currently insufficient to determine the role of this variant in disease. Therefore, it has been classified as a Variant of Uncertain Significance.

NM_001382347.1(MYO5A):c.2437C>T (p.Arg813Cys)

Gene: MYO5A (myosin VA; minus strand). Cytogenetic location: 15q21.2.
Variant type: single nucleotide variant.
Coding change: c.2437C>T on transcript NM_001382347.1 (MANE Select); coding-DNA position 2437, C replaced by T.
Protein change: p.Arg813Cys; replaces arginine 813 with cysteine.
Molecular consequence: missense variant.
Genome position (GRCh38, 1-based): chr15:52,375,444, G>A on the plus strand (C>T on the coding strand, the complement: MYO5A is on the minus strand). VCF-style: chr15-52375444-G-A. GRCh37 (hg19) VCF-style: chr15-52667641-G-A.
Other names: c.2437C>T, p.Arg813Cys (NM_000259.3, NM_001142495.2, NM_001411135.1); c.2509C>T, p.Arg837Cys (NM_001382348.1, NM_001382349.1); short protein forms R813C, R837C.
Identifiers: ClinVar variation 4806305 (VCV004806305.1).
Genomic context (GRCh38, chr15:52,375,444, plus strand): 5'-TCCTGCGGACCACATACATGCGCCAGTACTTTTGAATGATGGTTGCTGCCTTGGTTCTGC[G>A]CAGAAACTTAGCATAGCTGGCCAAAGAAAATAACATTATGTTGTCAGTAATCAGAAAAAA-3'
Protein context (NP_001369276.1, residues 803-823): YQARCYAKFL[Arg813Cys]RTKAATIIQK